The following is an entry in ClinVar:

NM_001458.5(FLNC):c.7242_7246delinsAAACCTG (p.Ser2415fs)

Genes: FLNC (filamin C; plus strand), FLNC-AS1 (FLNC antisense RNA 1; minus strand). Cytogenetic location: 7q32.1.
Variant type: Indel.
Coding change: c.7242_7246delinsAAACCTG on transcript NM_001458.5 (MANE Select); coding-DNA positions 7242 to 7246, CAGCC replaced by AAACCTG.
Protein change: p.Ser2415fs; shifts the reading frame from serine 2415.
Molecular consequence: frameshift variant.
Genome position (GRCh38, 1-based): chr7:128,855,305-128,855,309, CAGCC replaced by AAACCTG. VCF-style: chr7-128855305-CAGCC-AAACCTG. GRCh37 (hg19) VCF-style: chr7-128495359-CAGCC-AAACCTG.
Other names: c.7143_7147delinsAAACCTG, p.Ser2382fs (NM_001127487.2); short protein forms S2415fs, S2382fs.
Identifiers: ClinVar variation 3850781 (VCV003850781.1).

ClinVar aggregate classification (germline): Pathogenic (1 of 4 stars; one submission).

Conditions:
Cardiovascular phenotype. Identifiers: MedGen CN230736.

Submission:

Ambry Genetics
Classification: Pathogenic for Cardiovascular phenotype. Last evaluated: 2025-01-15. Review status: criteria provided, single submitter. Criteria: Ambry Variant Classification Scheme 2023. Collection method: clinical testing. Allele origin: germline.
Comment: The c.7242_7246delCAGCCinsAAACCTG pathogenic mutation, located in coding exon 43 of the FLNC gene, results from the deletion of 5 nucleotides and insertion of 7 nucleotides causing a translational frameshift with a predicted alternate stop codon (p.S2415Nfs*10). This variant is considered to be rare based on population cohorts in the Genome Aggregation Database (gnomAD). This alteration is expected to result in loss of function by premature protein truncation or nonsense-mediated mRNA decay. As such, this alteration is interpreted as a disease-causing mutation.